The following is an entry in ClinVar:

NM_003239.5(TGFB3):c.1117T>C (p.Ser373Pro)

Gene: TGFB3 (transforming growth factor beta 3; minus strand). Cytogenetic location: 14q24.3.
Variant type: single nucleotide variant.
Coding change: c.1117T>C on transcript NM_003239.5 (MANE Select); coding-DNA position 1117, T replaced by C.
Protein change: p.Ser373Pro; replaces serine 373 with proline.
Molecular consequence: missense variant.
Genome position (GRCh38, 1-based): chr14:75,959,309, A>G on the plus strand (T>C on the coding strand, the complement: TGFB3 is on the minus strand). VCF-style: chr14-75959309-A-G. GRCh37 (hg19) VCF-style: chr14-76425652-A-G.
Other names: c.1117T>C, p.Ser373Pro (NM_001329939.2); short protein forms S373P.
Identifiers: ClinVar variation 1796654 (VCV001796654.3), dbSNP rs2504093774, ClinGen allele CA390467254.
Genomic context (GRCh38, chr14:75,959,309, plus strand): 5'-CAACATAGTACAGGATGGTCAGGGGCTCCAGGTCCTGGGGCACGCAGCAAGGCGAGGCAG[A>G]TGCTTCAGGGTTCAGAGTGTTGTACAGTCCCAGCACCTGGGAAGGGACATGTCAGTGAGA-3'
Protein context (NP_003230.1, residues 363-383): GLYNTLNPEA[Ser373Pro]ASPCCVPQDL

ClinVar aggregate classification (germline): Uncertain significance (1 of 4 stars; one submission).

Conditions:
Familial thoracic aortic aneurysm and aortic dissection (TAAD). Also called: Thoracic aortic aneurysms and dissections. Identifiers: Orphanet 91387, MedGen C4707243, MONDO:0019625.

Allele frequency attached by ClinVar (database versions not stated): gnomAD exomes below 0.00001.
gnomAD v4.1: 1 of 1,614,132 alleles (0.000062%); highest among the groups gnomAD compares: Non-Finnish European, 0.000085%; no homozygotes.

Submission:

Ambry Genetics
Classification: Uncertain significance for Familial thoracic aortic aneurysm and aortic dissection. Last evaluated: 2025-08-05. Review status: criteria provided, single submitter. Criteria: Ambry Variant Classification Scheme 2023. Collection method: clinical testing. Allele origin: germline.
Comment: The p.S373P variant (also known as c.1117T>C), located in coding exon 7 of the TGFB3 gene, results from a T to C substitution at nucleotide position 1117. The serine at codon 373 is replaced by proline, an amino acid with similar properties. This variant was reported in individual(s) with features consistent with aortic aneurysm (Ambry internal data). This amino acid position is highly conserved in available vertebrate species. In addition, this alteration is predicted to be deleterious by in silico analysis. Based on the available evidence, the clinical significance of this variant remains unclear.